The following is an entry in ClinVar:

NM_024675.4(PALB2):c.1685-5T>G

Gene: PALB2 (partner and localizer of BRCA2; minus strand). Cytogenetic location: 16p12.2.
Variant type: single nucleotide variant.
Coding change: c.1685-5T>G on transcript NM_024675.4 (MANE Select); 5 bases into the intron before coding-DNA position 1685, T replaced by G.
Molecular consequence: intron variant.
Genome position (GRCh38, 1-based): chr16:23,630,474, A>C on the plus strand (T>G on the coding strand, the complement: PALB2 is on the minus strand). VCF-style: chr16-23630474-A-C. GRCh37 (hg19) VCF-style: chr16-23641795-A-C.
Other names: c.800-5T>G (NM_001407308.1, NM_001407306.1, NM_001407307.1 and 5 more transcripts); c.49-1199T>G (NM_001407314.1); c.-104-5T>G (NM_001407313.1, NM_001407312.1); c.1625-5T>G (NM_001407296.1); c.1685-5T>G (NM_001407297.1, NM_001407302.1, NM_001407298.1 and 3 more transcripts).
Identifiers: ClinVar variation 3413465 (VCV003413465.2).
Genomic context (GRCh38, chr16:23,630,474, plus strand): 5'-ATAAGCACTATTACTCCAAGAAAGGGAATCCTCTTTTTGATGACGACTTTTCTTCCCTAA[A>C]GAAGAAAAATAAGTCACAAAATAGTAACAAAACCCAACAAAACAGACAATCTGTTTCACT-3'

ClinVar aggregate classification (germline): Conflicting classifications of pathogenicity. Review status: criteria provided, conflicting classifications (1 of 4 stars). 2 submissions from 2 submitters: Uncertain significance (1); Likely benign (1). Last evaluated 2025-09-22.

Conditions:
Hereditary cancer-predisposing syndrome. Also called: Neoplastic Syndromes, Hereditary; Tumor predisposition; Hereditary Cancer Syndrome; Hereditary neoplastic syndrome. Identifiers: Orphanet 140162, MedGen C0027672, MeSH D009386, MONDO:0015356.

Submissions (2):

Institute for Biomarker Research, Medical Diagnostic Laboratories, L.L.C.
Classification: Likely benign for Hereditary cancer-predisposing syndrome. Last evaluated: 2025-09-22. Review status: criteria provided, single submitter. Criteria: ACMG Guidelines, 2015. Collection method: clinical testing. Allele origin: germline.
Comment: The splice region variant NM_024675.4(PALB2):c.1685-5T>G has not been reported previously as a pathogenic variant nor as a benign variant, to our knowledge. The c.1685-5T>G variant is novel (not in any individuals) in gnomAD. The c.1685-5T>G variant is novel (not in any individuals) in 1kG. The c.1685-5T>G variant is not predicted to disrupt the existing acceptor splice site 3bp upstream by any splice site algorithm. The c.1685-5T>G variant results in a substitution of a base that is not predicted conserved by GERP++ and PhyloP. For these reasons, this variant has been classified as Likely Benign.

Ambry Genetics
Classification: Uncertain significance for Hereditary cancer-predisposing syndrome. Last evaluated: 2024-09-25. Review status: criteria provided, single submitter. Criteria: Ambry Variant Classification Scheme 2023. Collection method: clinical testing. Allele origin: germline.
Comment: The c.1685-5T>G intronic variant results from a T to G substitution 5 nucleotides upstream from coding exon 5 in the PALB2 gene. This nucleotide position is well conserved in available vertebrate species. In silico splice site analysis predicts that this alteration will not have any significant effect on splicing. Based on the available evidence, the clinical significance of this variant remains unclear.